The following is an entry in ClinVar:

NM_002529.4(NTRK1):c.155G>A (p.Arg52Gln)

Gene: NTRK1 (neurotrophic receptor tyrosine kinase 1; plus strand). Cytogenetic location: 1q23.1.
Variant type: single nucleotide variant.
Coding change: c.155G>A on transcript NM_002529.4 (MANE Select); coding-DNA position 155, G replaced by A.
Protein change: p.Arg52Gln; replaces arginine 52 with glutamine.
Molecular consequence: missense variant. On other transcripts: intron variant (1).
Genome position (GRCh38, 1-based): chr1:156,861,089, G>A. VCF-style: chr1-156861089-G-A. GRCh37 (hg19) VCF-style: chr1-156830881-G-A.
Other names: c.155G>A, p.Arg52Gln (NM_001007204.1, NM_001012331.2); c.123-3265G>A (NM_001007792.1); short protein forms R52Q.
Identifiers: ClinVar variation 1948040 (VCV001948040.5), dbSNP rs1227657378, ClinGen allele CA342929844.

ClinVar aggregate classification (germline): Uncertain significance (1 of 4 stars; one submission).

Conditions:
Hereditary insensitivity to pain with anhidrosis (CIPA). Also called: HSAN Type IV; INSENSITIVITY TO PAIN, CONGENITAL, WITH ANHIDROSIS; hereditary sensory and autonomic neuropathy type 4; NTRK1 Congenital Insensitivity to Pain with Anhidrosis; FAMILIAL DYSAUTONOMIA, TYPE II; NEUROPATHY, CONGENITAL SENSORY, WITH ANHIDROSIS. Identifiers: Orphanet 642, MedGen C0020074, MONDO:0009746, OMIM 256800.

Allele frequency attached by ClinVar (database versions not stated): gnomAD exomes below 0.00001; TOPMed below 0.00001; gnomAD 0.00001.
gnomAD v4.1: 2 of 1,583,364 alleles (0.00013%); highest among the groups gnomAD compares: Admixed American, 0.0034%; no homozygotes.

Submission:

Labcorp Genetics (formerly Invitae), Labcorp
Classification: Uncertain significance for Hereditary insensitivity to pain with anhidrosis. Last evaluated: 2022-08-21. Review status: criteria provided, single submitter. Criteria: Invitae Variant Classification Sherloc (09022015). Collection method: clinical testing. Allele origin: germline.
Comment: This sequence change replaces arginine, which is basic and polar, with glutamine, which is neutral and polar, at codon 52 of the NTRK1 protein (p.Arg52Gln). The frequency data for this variant in the population databases is considered unreliable, as metrics indicate poor data quality at this position in the gnomAD database. This variant has not been reported in the literature in individuals affected with NTRK1-related conditions. Advanced modeling of protein sequence and biophysical properties (such as structural, functional, and spatial information, amino acid conservation, physicochemical variation, residue mobility, and thermodynamic stability) performed at Invitae indicates that this missense variant is not expected to disrupt NTRK1 protein function. In summary, the available evidence is currently insufficient to determine the role of this variant in disease. Therefore, it has been classified as a Variant of Uncertain Significance.